The following is an entry in ClinVar:

NM_001177693.2(ARHGEF28):c.1450G>A (p.Ala484Thr)

Gene: ARHGEF28 (Rho guanine nucleotide exchange factor 28; plus strand). Cytogenetic location: 5q13.2.
Variant type: single nucleotide variant.
Coding change: c.1450G>A on transcript NM_001177693.2 (MANE Select); coding-DNA position 1450, G replaced by A.
Protein change: p.Ala484Thr; replaces alanine 484 with threonine.
Molecular consequence: missense variant.
Genome position (GRCh38, 1-based): chr5:73,846,290, G>A. VCF-style: chr5-73846290-G-A. GRCh37 (hg19) VCF-style: chr5-73142115-G-A.
Other names: c.1450G>A, p.Ala484Thr (NM_001080479.3, NM_001388078.1); c.511G>A, p.Ala171Thr (NM_001244364.2); c.1156G>A, p.Ala386Thr (NM_001388076.1); short protein forms A171T, A386T, A484T.
Identifiers: ClinVar variation 3356121 (VCV003356121.1).
Genomic context (GRCh38, chr5:73,846,290, plus strand): 5'-CCTTGCTTCTTTACTTACTTGCTGGCTTTGTGCTTTAGTTCTAGCCTTGATGCCTTGGAC[G>A]CCGACAGTGAAGGGGAAGGGCATTCTGAGCCATCCCACATCTGTTACACTCCAGGGTCTC-3'
Protein context (NP_001171164.1, residues 474-494): KRSSSLDALD[Ala484Thr]DSEGEGHSEP

ClinVar aggregate classification (germline): Uncertain significance (0 of 4 stars; one submission).

Conditions:
ARHGEF28-related disorder. Also called: ARHGEF28-related condition.

gnomAD v4.1: 94 of 1,613,308 alleles (0.0058%); highest among the groups gnomAD compares: Non-Finnish European, 0.0075%; no homozygotes.

Submission:

PreventionGenetics, part of Exact Sciences
Classification: Uncertain significance for ARHGEF28-related condition. Last evaluated: 2024-05-07. Review status: no assertion criteria provided. Collection method: clinical testing. Allele origin: germline.
Comment: The ARHGEF28 c.1450G>A variant is predicted to result in the amino acid substitution p.Ala484Thr. To our knowledge, this variant has not been reported in the literature. This variant is reported in 0.014% of alleles in individuals of European (Finnish) descent in gnomAD. At this time, the clinical significance of this variant is uncertain due to the absence of conclusive functional and genetic evidence.